The following is an entry in ClinVar:

NM_003482.4(KMT2D):c.8263A>G (p.Lys2755Glu)

Gene: KMT2D (lysine methyltransferase 2D; minus strand). Cytogenetic location: 12q13.12.
Variant type: single nucleotide variant.
Coding change: c.8263A>G on transcript NM_003482.4 (MANE Select); coding-DNA position 8263, A replaced by G.
Protein change: p.Lys2755Glu; replaces lysine 2755 with glutamic acid.
Molecular consequence: missense variant.
Genome position (GRCh38, 1-based): chr12:49,039,325, T>C on the plus strand (A>G on the coding strand, the complement: KMT2D is on the minus strand). VCF-style: chr12-49039325-T-C. GRCh37 (hg19) VCF-style: chr12-49433108-T-C.
Other names: short protein forms K2755E.
Identifiers: ClinVar variation 3603628 (VCV003603628.3).

ClinVar aggregate classification (germline): Uncertain significance. Review status: criteria provided, multiple submitters, no conflicts (2 of 4 stars). 2 submissions from 2 submitters: Uncertain significance (2). Last evaluated 2025-08-28.

Conditions:
Kabuki syndrome. Also called: NIIKAWA-KUROKI SYNDROME; Kabuki make-up syndrome. Identifiers: Orphanet 2322, MedGen C0796004, MONDO:0016512.
Inborn genetic diseases. Identifiers: MedGen C0950123, MeSH D030342.

gnomAD v4.1: 12 of 1,613,550 alleles (0.00074%); highest among the groups gnomAD compares: Admixed American, 0.0017%; no homozygotes.

Submissions (2):

Ambry Genetics
Classification: Uncertain significance for Inborn genetic diseases. Last evaluated: 2025-08-28. Review status: criteria provided, single submitter. Criteria: Ambry Variant Classification Scheme 2023. Collection method: clinical testing. Allele origin: germline.

Labcorp Genetics (formerly Invitae), Labcorp
Classification: Uncertain significance for Kabuki syndrome. Last evaluated: 2024-04-17. Review status: criteria provided, single submitter. Criteria: Invitae Variant Classification Sherloc (09022015). Collection method: clinical testing. Allele origin: germline.
Comment: This sequence change replaces lysine, which is basic and polar, with glutamic acid, which is acidic and polar, at codon 2755 of the KMT2D protein (p.Lys2755Glu). This variant is not present in population databases (gnomAD no frequency). This variant has not been reported in the literature in individuals affected with KMT2D-related conditions. Advanced modeling of protein sequence and biophysical properties (such as structural, functional, and spatial information, amino acid conservation, physicochemical variation, residue mobility, and thermodynamic stability) has been performed at Invitae for this missense variant, however the output from this modeling did not meet the statistical confidence thresholds required to predict the impact of this variant on KMT2D protein function. In summary, the available evidence is currently insufficient to determine the role of this variant in disease. Therefore, it has been classified as a Variant of Uncertain Significance.